The following is an entry in ClinVar:

NM_144670.6(A2ML1):c.4312T>C (p.Tyr1438His)

Gene: A2ML1 (alpha-2-macroglobulin like 1; plus strand). Cytogenetic location: 12p13.31.
Variant type: single nucleotide variant.
Coding change: c.4312T>C on transcript NM_144670.6 (MANE Select); coding-DNA position 4312, T replaced by C.
Protein change: p.Tyr1438His; replaces tyrosine 1438 with histidine.
Molecular consequence: missense variant.
Genome position (GRCh38, 1-based): chr12:8,874,515, T>C. VCF-style: chr12-8874515-T-C. GRCh37 (hg19) VCF-style: chr12-9027111-T-C.
Other names: c.2839T>C, p.Tyr947His (NM_001282424.3); short protein forms Y1438H, Y947H.
Identifiers: ClinVar variation 2758245 (VCV002758245.3), dbSNP rs2539329644, ClinGen allele CA383814673.

ClinVar aggregate classification (germline): Uncertain significance (1 of 4 stars; one submission).

gnomAD v4.1: 1 of 1,613,376 alleles (0.000062%); no homozygotes.

Submission:

Labcorp Genetics (formerly Invitae), Labcorp
Classification: Uncertain significance. Last evaluated: 2023-09-05. Review status: criteria provided, single submitter. Criteria: Invitae Variant Classification Sherloc (09022015). Collection method: clinical testing. Allele origin: germline.
Comment: This variant has not been reported in the literature in individuals affected with A2ML1-related conditions. In summary, the available evidence is currently insufficient to determine the role of this variant in disease. Therefore, it has been classified as a Variant of Uncertain Significance. An algorithm developed to predict the effect of missense changes on protein structure and function (PolyPhen-2) suggests that this variant is likely to be disruptive. This variant is not present in population databases (gnomAD no frequency). This sequence change replaces tyrosine, which is neutral and polar, with histidine, which is basic and polar, at codon 1438 of the A2ML1 protein (p.Tyr1438His).